The following is an entry in ClinVar:

ClinVar aggregate classification (germline): Benign (1 of 4 stars; one submission).

Conditions:
Xeroderma pigmentosum variant type. Also called: POLH-Related Xeroderma Pigmentosum; PHOTOSENSITIVITY WITH DEFECTIVE DNA SYNTHESIS; XERODERMA PIGMENTOSUM WITH NORMAL DNA REPAIR RATES. Identifiers: Orphanet 90342, MedGen C1848410, MONDO:0010214, OMIM 278750.

Allele frequency attached by ClinVar (database versions not stated): 1000 Genomes Project 0.03255; gnomAD 0.03296 and 0.03574; 1000 Genomes Project 30x 0.03654; TOPMed 0.03768.

Submission:

Illumina Laboratory Services, Illumina
Classification: Benign for Xeroderma pigmentosum variant type. Last evaluated: 2018-01-12. Review status: criteria provided, single submitter. Criteria: ICSL Variant Classification Criteria 13 December 2019. Collection method: clinical testing. Allele origin: germline.
Comment: This variant was observed in the ICSL laboratory as part of a predisposition screen in an ostensibly healthy population. It had not been previously curated by ICSL or reported in the Human Gene Mutation Database (HGMD: prior to June 1st, 2018), and was therefore a candidate for classification through an automated scoring system. Utilizing variant allele frequency, disease prevalence and penetrance estimates, and inheritance mode, an automated score was calculated to assess if this variant is too frequent to cause the disease. Based on the score and internal cut-off values, a variant classified as benign is not then subjected to further curation. The score for this variant resulted in a classification of benign for this disease.

NM_006502.3(POLH):c.*952C>T

Gene: POLH (DNA polymerase eta; plus strand). Cytogenetic location: 6p21.1.
Variant type: single nucleotide variant.
Coding change: c.*952C>T on transcript NM_006502.3 (MANE Select); 952 bases downstream of the stop codon, C replaced by T.
Molecular consequence: 3 prime UTR variant.
Genome position (GRCh38, 1-based): chr6:43,615,509, C>T. VCF-style: chr6-43615509-C-T. GRCh37 (hg19) VCF-style: chr6-43583246-C-T.
Other names: c.*952C>T (NM_001291969.2); c.*1778C>T (NM_001291970.2).
Identifiers: ClinVar variation 356928 (VCV000356928.7), dbSNP rs1141338, ClinGen allele CA10626948.
Genomic context (GRCh38, chr6:43,615,509, plus strand): 5'-GGAGGCTAAGGCAGGAGAATCACTTGAACCCAGGAGGCAGAGGTTGGAGTGAGCTGAGAT[C>T]GCGCCACCGCACTCCAGCCTGGGCAACAGAGCGAGACTCCATCTCAAACAAAAACAAGAA-3'